The following is an entry in ClinVar:

NM_003628.6(PKP4):c.2254C>T (p.Arg752Trp)

Genes: PKP4 (plakophilin 4; plus strand), PKP4-AS1 (PKP4 antisense RNA 1; minus strand). Cytogenetic location: 2q24.1.
Variant type: single nucleotide variant.
Coding change: c.2254C>T on transcript NM_003628.6 (MANE Select); coding-DNA position 2254, C replaced by T.
Protein change: p.Arg752Trp; replaces arginine 752 with tryptophan.
Molecular consequence: missense variant.
Genome position (GRCh38, 1-based): chr2:158,662,939, C>T. VCF-style: chr2-158662939-C-T. GRCh37 (hg19) VCF-style: chr2-159519451-C-T.
Other names: c.2254C>T, p.Arg752Trp (NM_001005476.4, NM_001304971.2, NM_001377218.1 and 1 more transcripts); c.2251C>T, p.Arg751Trp (NM_001304969.3, NM_001377219.1, NM_001377220.1 and 2 more transcripts); c.1225C>T, p.Arg409Trp (NM_001304970.3); c.2248C>T, p.Arg750Trp (NM_001377222.1, NM_001377223.1); c.2245C>T, p.Arg749Trp (NM_001377224.1); short protein forms R751W, R749W, R752W, R409W, R750W.
Identifiers: ClinVar variation 2625292 (VCV002625292.2), dbSNP rs2529806901, ClinGen allele CA348902664.

ClinVar aggregate classification (germline): Uncertain significance (1 of 4 stars; one submission).

Allele frequency attached by ClinVar (database versions not stated): gnomAD exomes below 0.00001.
gnomAD v4.1: 2 of 1,612,794 alleles (0.00012%); highest among the groups gnomAD compares: Non-Finnish European, 0.00017%; no homozygotes.

Submission:

Ambry Genetics
Classification: Uncertain significance. Last evaluated: 2023-09-06. Review status: criteria provided, single submitter. Criteria: Ambry Variant Classification Scheme 2023. Collection method: clinical testing. Allele origin: germline.
Comment: The p.R752W variant (also known as c.2254C>T), located in coding exon 13 of the PKP4 gene, results from a C to T substitution at nucleotide position 2254. The arginine at codon 752 is replaced by tryptophan, an amino acid with dissimilar properties. This amino acid position is conserved. In addition, this alteration is predicted to be deleterious by in silico analysis. Since supporting evidence is limited at this time, the clinical significance of this alteration remains unclear.